The following is an entry in ClinVar:

ClinVar aggregate classification (germline): Uncertain significance (1 of 4 stars; one submission).

Conditions:
Hereditary cancer-predisposing syndrome. Also called: Tumor predisposition; Neoplastic Syndromes, Hereditary; Hereditary Cancer Syndrome; Hereditary neoplastic syndrome. Identifiers: Orphanet 140162, MedGen C0027672, MeSH D009386, MONDO:0015356.

Submission:

Ambry Genetics
Classification: Uncertain significance for Hereditary cancer-predisposing syndrome. Last evaluated: 2024-11-08. Review status: criteria provided, single submitter. Criteria: Ambry Variant Classification Scheme 2023. Collection method: clinical testing. Allele origin: germline.
Comment: The p.S1203R variant (also known as c.3607A>C), located in coding exon 10 of the BRCA2 gene, results from an A to C substitution at nucleotide position 3607. The serine at codon 1203 is replaced by arginine, an amino acid with dissimilar properties. This amino acid position is conserved. In addition, this alteration is predicted to be tolerated by in silico analysis. Based on the available evidence, the clinical significance of this variant remains unclear.

NM_000059.4(BRCA2):c.3607A>C (p.Ser1203Arg)

Gene: BRCA2 (BRCA2 DNA repair associated; plus strand). Cytogenetic location: 13q13.1.
Variant type: single nucleotide variant.
Coding change: c.3607A>C on transcript NM_000059.4 (MANE Select); coding-DNA position 3607, A replaced by C.
Protein change: p.Ser1203Arg; replaces serine 1203 with arginine.
Molecular consequence: missense variant. On other transcripts: non-coding transcript variant (1), intron variant (2).
Genome position (GRCh38, 1-based): chr13:32,337,962, A>C. VCF-style: chr13-32337962-A-C. GRCh37 (hg19) VCF-style: chr13-32912099-A-C.
Other names: c.3607A>C, p.Ser1203Arg (NM_001406719.1, NM_001406720.1, NM_001432077.1); c.1909+4575A>C (NM_001406721.1); c.425-6596A>C (NM_001406722.1); short protein forms S1203R.
Identifiers: ClinVar variation 3481967 (VCV003481967.1).